The following is an entry in ClinVar:

NM_021831.6(AGBL5):c.2507C>T (p.Pro836Leu)

Gene: AGBL5 (AGBL carboxypeptidase 5; plus strand). Cytogenetic location: 2p23.3.
Variant type: single nucleotide variant.
Coding change: c.2507C>T on transcript NM_021831.6 (MANE Select); coding-DNA position 2507, C replaced by T.
Protein change: p.Pro836Leu; replaces proline 836 with leucine.
Molecular consequence: missense variant. On other transcripts: non-coding transcript variant (2).
Genome position (GRCh38, 1-based): chr2:27,070,109, C>T. VCF-style: chr2-27070109-C-T. GRCh37 (hg19) VCF-style: chr2-27292977-C-T.
Other names: short protein forms P836L.
Identifiers: ClinVar variation 1005307 (VCV001005307.8), dbSNP rs1669207659, ClinGen allele CA346142784.
Genomic context (GRCh38, chr2:27,070,109, plus strand): 5'-GAGAGTTTTCACAGCCCTGATTCCTCTCTCTTTTCTGTTGCAGGCTGCCTCAGGCCAGGC[C>T]CCCACGGCCCCGCTCTGCCCCTGCCTTTTCTCCTATATCCTGTAGTCTATCTGACTCCCC-3'
Protein context (NP_068603.4, residues 826-846): SATPGLPQAR[Pro836Leu]PRPRSAPAFS

ClinVar aggregate classification (germline): Uncertain significance (1 of 4 stars; one submission).

Submission:

Labcorp Genetics (formerly Invitae), Labcorp
Classification: Uncertain significance. Last evaluated: 2024-02-24. Review status: criteria provided, single submitter. Criteria: Invitae Variant Classification Sherloc (09022015). Collection method: clinical testing. Allele origin: germline.
Comment: This sequence change replaces proline, which is neutral and non-polar, with leucine, which is neutral and non-polar, at codon 836 of the AGBL5 protein (p.Pro836Leu). This variant is not present in population databases (gnomAD no frequency). This variant has not been reported in the literature in individuals affected with AGBL5-related conditions. ClinVar contains an entry for this variant (Variation ID: 1005307). Algorithms developed to predict the effect of missense changes on protein structure and function output the following: SIFT: "Not Available"; PolyPhen-2: "Benign"; Align-GVGD: "Not Available". The leucine amino acid residue is found in multiple mammalian species, which suggests that this missense change does not adversely affect protein function. In summary, the available evidence is currently insufficient to determine the role of this variant in disease. Therefore, it has been classified as a Variant of Uncertain Significance.